The following is an entry in ClinVar:

ClinVar aggregate classification (germline): Uncertain significance (1 of 4 stars; one submission).

Allele frequency attached by ClinVar (database versions not stated): ExAC 0.00001.

Submission:

GeneDx
Classification: Uncertain significance. Last evaluated: 2022-01-04. Review status: criteria provided, single submitter. Criteria: GeneDx Variant Classification Process June 2021. Collection method: clinical testing. Allele origin: germline. Affected: yes.
Comment: Not observed at significant frequency in large population cohorts (gnomAD); In silico analysis supports that this missense variant has a deleterious effect on protein structure/function; Has not been previously published as pathogenic or benign to our knowledge; This variant is associated with the following publications: (PMID: 26243512)

NM_001540.5(HSPB1):c.574G>A (p.Gly192Arg)

Gene: HSPB1 (heat shock protein family B (small) member 1; plus strand). Cytogenetic location: 7q11.23.
Variant type: single nucleotide variant.
Coding change: c.574G>A on transcript NM_001540.5 (MANE Select); coding-DNA position 574, G replaced by A.
Protein change: p.Gly192Arg; replaces glycine 192 with arginine.
Molecular consequence: missense variant.
Genome position (GRCh38, 1-based): chr7:76,304,129, G>A. VCF-style: chr7-76304129-G-A. GRCh37 (hg19) VCF-style: chr7-75933446-G-A.
Other names: short protein forms G192R.
Identifiers: ClinVar variation 1693439 (VCV001693439.2), dbSNP rs765430725, ClinGen allele CA4306453.